The following is an entry in ClinVar:

ClinVar aggregate classification (germline): Pathogenic (1 of 4 stars; one submission).

Conditions:
Cystic fibrosis (CF). Also called: MUCOVISCIDOSIS. Identifiers: Orphanet 586, MedGen C0010674, MONDO:0009061, OMIM 219700. Disease mechanism: loss of function.

Submission:

Labcorp Genetics (formerly Invitae), Labcorp
Classification: Pathogenic for Cystic fibrosis. Last evaluated: 2023-05-26. Review status: criteria provided, single submitter. Criteria: Invitae Variant Classification Sherloc (09022015). Collection method: clinical testing. Allele origin: germline.
Comment: For these reasons, this variant has been classified as Pathogenic. This variant has not been reported in the literature in individuals affected with CFTR-related conditions. This variant is not present in population databases (gnomAD no frequency). This sequence change creates a premature translational stop signal (p.Gln1209Profs*56) in the CFTR gene. It is expected to result in an absent or disrupted protein product. Loss-of-function variants in CFTR are known to be pathogenic (PMID: 1695717, 7691345, 9725922).

Literature cited by the submitters: PubMed 1695717; PubMed 7691345; PubMed 9725922.

NM_000492.4(CFTR):c.3623dup (p.Gln1209fs)

Genes: CFTR-AS2 (CFTR antisense RNA 2; minus strand), CFTR (CF transmembrane conductance regulator; plus strand). Cytogenetic location: 7q31.2.
Variant type: Duplication.
Coding change: c.3623dup on transcript NM_000492.4 (MANE Select); coding-DNA position 3623, one base duplicated (G; older notation c.3623dupG).
Protein change: p.Gln1209fs; shifts the reading frame from glutamine 1209.
Molecular consequence: frameshift variant.
Genome position (GRCh38, 1-based): chr7:117,627,676, G duplicated; the last of 5 consecutive G bases (chr7:117,627,672-117,627,676); duplicating any one gives the same sequence. VCF-style (leftmost placement, unchanged base first): chr7-117627671-A-AG. GRCh37 (hg19) VCF-style: chr7-117267725-A-AG.
Other names: short protein forms Q1209fs.
Identifiers: ClinVar variation 2727391 (VCV002727391.3), dbSNP rs35396083, ClinGen allele CA577223239.
Genomic context (GRCh38, chr7:117,627,671, plus strand): 5'-ACTCTCGAAAGTTATGATTATTGAGAATTCACACGTGAAGAAAGATGACATCTGGCCCTC[A>AG]GGGGGCCAAATGACTGTCAAAGATCTCACAGCAAAATACACAGAAGGTGGAAATGCCATA-3'